The following is an entry in ClinVar:

ClinVar aggregate classification (germline): Pathogenic/Likely pathogenic. Review status: criteria provided, multiple submitters, no conflicts (2 of 4 stars). 10 submissions from 10 submitters: Pathogenic (6); Likely pathogenic (2). 2 of the submissions do not count toward it. Last evaluated 2025-12-03.

Conditions:
Citrullinemia. Identifiers: Orphanet 187, MedGen C0175683, MONDO:0015991.
ASS1-related disorder. Also called: ASS1-related condition.
Citrullinemia type I (CTNL1). Also called: ASS DEFICIENCY; argininosuccinate synthetase deficiency. Identifiers: Orphanet 247525, MedGen C4721769, MONDO:0008988, OMIM 215700.

Allele frequency attached by ClinVar (database versions not stated): gnomAD exomes 0.00001; TOPMed 0.00001.
gnomAD v4.1: 11 of 1,614,178 alleles (0.00068%); highest among the groups gnomAD compares: East Asian, 0.0022%; no homozygotes.

Submissions (10):

Natera, Inc.
Classification: Likely pathogenic for Citrullinemia type I. Last evaluated: 2025-12-03. Review status: criteria provided, single submitter. Criteria: Natera Variant Classification Schema (03/2026). Collection method: clinical testing. Allele origin: germline.
Comment: The c.794G>A variant in ASS1 is a missense variant predicted to cause substitution of arginine to histidine at amino acid 265. This variant is rare in the general population with a frequency below the threshold expected for the associated phenotype(s). This variant has been observed in one or more individuals affected with the associated recessive disease, as either homozygous or compound heterozygous with a second variant (PMID: 12815590). Additionally, this variant has been observed to segregate in affected family members (PMID: 12815590). A different variant at the same position has been determined to be Pathogenic or Likely Pathogenic. Given the available evidence, this variant is classified as Likely Pathogenic.

Labcorp Genetics (formerly Invitae), Labcorp
Classification: Pathogenic for Citrullinemia. Last evaluated: 2025-11-12. Review status: criteria provided, single submitter. Criteria: Invitae Variant Classification Sherloc (09022015). Collection method: clinical testing. Allele origin: germline.
Comment: This sequence change replaces arginine, which is basic and polar, with histidine, which is basic and polar, at codon 265 of the ASS1 protein (p.Arg265His). This variant is not present in population databases (gnomAD no frequency). This missense change has been observed in individual(s) with citrullinemia type 1 (PMID: 12815590). ClinVar contains an entry for this variant (Variation ID: 92374). Invitae Evidence Modeling of protein sequence and biophysical properties (such as structural, functional, and spatial information, amino acid conservation, physicochemical variation, residue mobility, and thermodynamic stability) indicates that this missense variant is expected to disrupt ASS1 protein function with a positive predictive value of 80%. For these reasons, this variant has been classified as Pathogenic.

Fulgent Genetics
Classification: Pathogenic for Citrullinemia type I. Last evaluated: 2024-04-30. Review status: criteria provided, single submitter. Criteria: ACMG Guidelines, 2015. Collection method: clinical testing. Allele origin: germline.

Blueprint Genetics
Classification: Pathogenic for ASS1-related disorders. Last evaluated: 2024-04-17. Review status: criteria provided, single submitter. Criteria: ACMG Guidelines, 2015. Collection method: clinical testing. Allele origin: germline. Affected: yes. Observed: 1 variant allele.

Women's Health and Genetics/Laboratory Corporation of America, LabCorp
Classification: Pathogenic for Citrullinemia. Last evaluated: 2023-08-02. Review status: criteria provided, single submitter. Criteria: LabCorp Variant Classification Summary - May 2015. Collection method: clinical testing. Allele origin: germline.
Comment: Variant summary: ASS1 c.794G>A (p.Arg265His) results in a non-conservative amino acid change in the encoded protein sequence. Three of five in-silico tools predict a damaging effect of the variant on protein function. The variant was absent in 251300 control chromosomes (gnomAD). c.794G>A has been reported in the literature as a biallelic genotype in multiple individuals affected with Citrullinemia Type I (e.g. Gao_2003). These data indicate that the variant is very likely to be associated with disease. To our knowledge, no experimental evidence demonstrating an impact on protein function has been reported. The following publication has been ascertained in the context of this evaluation (PMID: 12815590). Three submitters have cited clinical-significance assessments for this variant to ClinVar after 2014. All submitters classified the variant as pathogenic (n=2)/likely pathogenic (n=1). Based on the evidence outlined above, the variant was classified as pathogenic.

CeGaT Center for Human Genetics Tuebingen
Classification: Pathogenic. Last evaluated: 2023-04-01. Review status: criteria provided, single submitter. Criteria: CeGaT Center For Human Genetics Tuebingen Variant Classification Criteria Version 2. Collection method: clinical testing. Allele origin: germline. Affected: yes. Observed: 1 variant allele.
Comment: ASS1: PM3:Strong, PM2, PM5, PP4:Moderate, PP3

Eurofins Ntd Llc (ga)
Classification: Pathogenic. Last evaluated: 2013-11-04. Review status: criteria provided, single submitter. Criteria: EGL Classification Definitions 2015. Collection method: clinical testing. Allele origin: germline. Observed: 1 variant allele, 1 heterozygote.

Juno Genomics, Hangzhou Juno Genomics, Inc
Classification: Likely pathogenic for Citrullinemia type I. Review status: criteria provided, single submitter. Criteria: ACMG Guidelines, 2015. Collection method: clinical testing. Allele origin: germline.
Comment: Absent from controls (or at extremely low frequency if recessive) in Genome Aggregation Database.;Multiple lines of computational evidence support a deleterious effect on the gene or gene product.;For recessive disorders, detected in trans with a pathogenic variant.;Patient's phenotype or family history is highly specific for a disease with a single genetic etiology.;Novel missense change at an amino acid residue where a different missense change determined to be pathogenic has been seen before.

Counsyl
Classification: Likely pathogenic for Citrullinemia type I. Last evaluated: 2016-07-22. Review status: no assertion criteria provided. Collection method: clinical testing. Allele origin: unknown. Not counted in ClinVar's aggregate classification.

GeneReviews
No classification provided. Condition: Citrullinemia type I. Review status: no classification provided. Collection method: literature only. Allele origin: germline. Affected: yes. Not counted in ClinVar's aggregate classification.

Literature cited by the submitters: PubMed 12815590 (cited by 6 submitters); NCBI Bookshelf NBK1458 (cited by GeneReviews).

NM_054012.4(ASS1):c.794G>A (p.Arg265His)

Gene: ASS1 (argininosuccinate synthase 1; plus strand). Cytogenetic location: 9q34.11.
Variant type: single nucleotide variant.
Coding change: c.794G>A on transcript NM_054012.4 (MANE Select); coding-DNA position 794, G replaced by A.
Protein change: p.Arg265His; replaces arginine 265 with histidine.
Molecular consequence: missense variant.
Genome position (GRCh38, 1-based): chr9:130,480,405, G>A. VCF-style: chr9-130480405-G-A. GRCh37 (hg19) VCF-style: chr9-133355792-G-A.
Other names: c.794G>A, p.Arg265His (NM_000050.4); short protein forms R265H.
Identifiers: ClinVar variation 92374 (VCV000092374.44), dbSNP rs398123131, ClinGen allele CA266755.